The following is an entry in ClinVar:

NM_002471.4(MYH6):c.3979-7dup

Gene: MYH6 (myosin heavy chain 6; minus strand). Cytogenetic location: 14q11.2.
Variant type: Duplication.
Coding change: c.3979-7dup on transcript NM_002471.4 (MANE Select); 7 bases into the intron before coding-DNA position 3979, one base duplicated (T; older notation c.3979-7dupT).
Genome position (GRCh38, 1-based): chr14:23,389,062, A duplicated on the plus strand (T on the coding strand, the reverse complement: MYH6 is on the minus strand). VCF-style (leftmost placement, unchanged base first): chr14-23389061-G-GA. GRCh37 (hg19) VCF-style: chr14-23858270-G-GA.
Other names: c.3979-7dupT (NM_002471.3).
Identifiers: ClinVar variation 179076 (VCV000179076.56), dbSNP rs545343612, ClinGen allele CA183678.

ClinVar aggregate classification (germline): Benign/Likely benign. Review status: criteria provided, multiple submitters, no conflicts (2 of 4 stars). 12 submissions from 12 submitters: Benign (5); Likely benign (3). 4 of the submissions do not count toward it. Last evaluated 2026-03-01.

Conditions:
Cardiomyopathy (CMYO). Also called: Cardiomyopathies. Identifiers: Orphanet 167848, MedGen C0878544, MONDO:0004994, HP:0001638. Inheritance: Various modes of inheritance.
Hypertrophic cardiomyopathy 14. Identifiers: MedGen C2750467, MONDO:0013197, OMIM 613251.

Allele frequency attached by ClinVar (database versions not stated): ExAC 0.00169; gnomAD exomes 0.00189; gnomAD 0.00197 and 0.00208; TOPMed 0.00206.

Submissions (12):

CeGaT Center for Human Genetics Tuebingen
Classification: Likely benign. Last evaluated: 2026-03-01. Review status: criteria provided, single submitter. Criteria: CeGaT Center For Human Genetics Tuebingen Variant Classification Criteria Version 2. Collection method: clinical testing. Allele origin: germline. Affected: yes. Observed: 6 variant alleles.
Comment: MYH6: BP4, BS1

Labcorp Genetics (formerly Invitae), Labcorp
Classification: Benign for Hypertrophic cardiomyopathy 14. Last evaluated: 2026-01-26. Review status: criteria provided, single submitter. Criteria: Invitae Variant Classification Sherloc (09022015). Collection method: clinical testing. Allele origin: germline.

Blueprint Genetics
Classification: Likely benign. Last evaluated: 2024-11-26. Review status: criteria provided, single submitter. Criteria: ACMG Guidelines, 2015. Collection method: clinical testing. Allele origin: germline.

ARUP Laboratories, Molecular Genetics and Genomics, ARUP Laboratories
Classification: Likely benign. Last evaluated: 2023-10-09. Review status: criteria provided, single submitter. Criteria: ARUP Molecular Germline Variant Investigation Process 2024. Collection method: clinical testing. Allele origin: germline.

CHEO Genetics Diagnostic Laboratory, Children's Hospital of Eastern Ontario
Classification: Benign for Cardiomyopathy. Last evaluated: 2019-10-10. Review status: criteria provided, single submitter. Criteria: ACMG Guidelines, 2015. Collection method: clinical testing. Allele origin: germline.

Women's Health and Genetics/Laboratory Corporation of America, LabCorp
Classification: Benign. Last evaluated: 2018-05-30. Review status: criteria provided, single submitter. Criteria: LabCorp Variant Classification Summary - May 2015. Collection method: clinical testing. Allele origin: germline.
Comment: Variant summary: MYH6 c.3979-7dupT alters a non-conserved nucleotide located close to a canonical splice site and therefore could affect mRNA splicing, leading to a significantly altered protein sequence. 5/5 computational tools predict no significant impact on normal splicing. However, these predictions have yet to be confirmed by functional studies. The variant allele was found at a frequency of 0.0018 in 205828 control chromosomes in the gnomAD database, including 1 homozygotes. The observed variant frequency is approximately 72 fold of the estimated maximal expected allele frequency for a pathogenic variant in MYH6 causing Cardiomyopathy phenotype (2.5e-05), strongly suggesting that the variant is benign. To our knowledge, no occurrence of c.3979-7dupT in individuals affected with Cardiomyopathy and no experimental evidence demonstrating its impact on protein function have been reported. One clinical diagnostic laboratory has submitted clinical-significance assessments for this variant to ClinVar after 2014 without evidence for independent evaluation and classified the variant as benign. Based on the evidence outlined above, the variant was classified as benign.

GeneDx
Classification: Benign. Last evaluated: 2016-11-15. Review status: criteria provided, single submitter. Criteria: GeneDx Variant Classification Process June 2021. Collection method: clinical testing. Allele origin: germline. Affected: yes.

Laboratory for Molecular Medicine, Mass General Brigham Personalized Medicine
Classification: Benign. Last evaluated: 2013-06-17. Review status: criteria provided, single submitter. Criteria: LMM Criteria. Collection method: clinical testing. Allele origin: germline. Observed: 6 variant alleles.
Comment: 3979-7_3979-6insT in intron 28 of MYH6: This variant is not expected to have cli nical significance because it has been identified in 1.9% (78/4188) of African A merican chromosomes by the NHLBI Exome Sequencing Project.

Clinical Genetics, Academic Medical Center
Classification: Benign. Review status: no assertion criteria provided. Collection method: clinical testing. Allele origin: germline. Affected: yes. Study: VKGL Data-share Consensus. Not counted in ClinVar's aggregate classification.

Genome Diagnostics Laboratory, University Medical Center Utrecht
Classification: Likely benign. Review status: no assertion criteria provided. Collection method: clinical testing. Allele origin: germline. Affected: yes. Study: VKGL Data-share Consensus. Not counted in ClinVar's aggregate classification.

Joint Genome Diagnostic Labs from Nijmegen and Maastricht, Radboudumc and MUMC+
Classification: Likely benign. Review status: no assertion criteria provided. Collection method: clinical testing. Allele origin: germline. Affected: yes. Study: VKGL Data-share Consensus. Not counted in ClinVar's aggregate classification.

Laboratory of Diagnostic Genome Analysis, Leiden University Medical Center (LUMC)
Classification: Likely benign. Review status: no assertion criteria provided. Collection method: clinical testing. Allele origin: germline. Affected: yes. Study: VKGL Data-share Consensus. Not counted in ClinVar's aggregate classification.